The following is an entry in ClinVar:

NM_002317.7(LOX):c.383G>A (p.Gly128Asp)

Genes: LOX (lysyl oxidase; minus strand), SRFBP1 (serum response factor binding protein 1; plus strand). Cytogenetic location: 5q23.1.
Variant type: single nucleotide variant.
Coding change: c.383G>A on transcript NM_002317.7 (MANE Select); coding-DNA position 383, G replaced by A.
Protein change: p.Gly128Asp; replaces glycine 128 with aspartic acid.
Molecular consequence: missense variant.
Genome position (GRCh38, 1-based): chr5:122,077,603, C>T on the plus strand (G>A on the coding strand, the complement: LOX is on the minus strand). VCF-style: chr5-122077603-C-T. GRCh37 (hg19) VCF-style: chr5-121413298-C-T.
Other names: c.383G>A (NM_002317.5); short protein forms G128D.
Identifiers: ClinVar variation 1202935 (VCV001202935.10), dbSNP rs762591254, ClinGen allele CA3384048.

ClinVar aggregate classification (germline): Uncertain significance. Review status: criteria provided, multiple submitters, no conflicts (2 of 4 stars). 3 submissions from 3 submitters: Uncertain significance (3). Last evaluated 2025-09-19.

Conditions:
Cardiovascular phenotype. Identifiers: MedGen CN230736.

Allele frequency attached by ClinVar (database versions not stated): gnomAD exomes 0.00001; TOPMed 0.00001; ExAC 0.00001; gnomAD 0.00001.
gnomAD v4.1: 19 of 1,612,312 alleles (0.0012%); highest among the groups gnomAD compares: Non-Finnish European, 0.0014%; no homozygotes.

Submissions (3):

Labcorp Genetics (formerly Invitae), Labcorp
Classification: Uncertain significance. Last evaluated: 2025-09-19. Review status: criteria provided, single submitter. Criteria: Invitae Variant Classification Sherloc (09022015). Collection method: clinical testing. Allele origin: germline.
Comment: This sequence change replaces glycine, which is neutral and non-polar, with aspartic acid, which is acidic and polar, at codon 128 of the LOX protein (p.Gly128Asp). This variant is present in population databases (rs762591254, gnomAD 0.0008%). This variant has not been reported in the literature in individuals affected with LOX-related conditions. ClinVar contains an entry for this variant (Variation ID: 1202935). Invitae Evidence Modeling of protein sequence and biophysical properties (such as structural, functional, and spatial information, amino acid conservation, physicochemical variation, residue mobility, and thermodynamic stability) indicates that this missense variant is not expected to disrupt LOX protein function with a negative predictive value of 95%. In summary, the available evidence is currently insufficient to determine the role of this variant in disease. Therefore, it has been classified as a Variant of Uncertain Significance.

Ambry Genetics
Classification: Uncertain significance for Cardiovascular phenotype. Last evaluated: 2025-03-31. Review status: criteria provided, single submitter. Criteria: Ambry Variant Classification Scheme 2023. Collection method: clinical testing. Allele origin: germline.
Comment: The p.G128D variant (also known as c.383G>A), located in coding exon 1 of the LOX gene, results from a G to A substitution at nucleotide position 383. The glycine at codon 128 is replaced by aspartic acid, an amino acid with similar properties. This amino acid position is conserved. In addition, this alteration is predicted to be tolerated by in silico analysis. Based on the available evidence, the clinical significance of this variant remains unclear.

GeneDx
Classification: Uncertain significance. Last evaluated: 2025-03-20. Review status: criteria provided, single submitter. Criteria: GeneDx Variant Classification Process June 2021. Collection method: clinical testing. Allele origin: germline. Affected: yes.
Comment: Not observed at significant frequency in large population cohorts (gnomAD); In silico analysis indicates that this missense variant does not alter protein structure/function; Has not been previously published as pathogenic or benign to our knowledge